The following is an entry in ClinVar:

NM_000211.5(ITGB2):c.112G>A (p.Glu38Lys)

Gene: ITGB2 (integrin subunit beta 2; minus strand). Cytogenetic location: 21q22.3.
Variant type: single nucleotide variant.
Coding change: c.112G>A on transcript NM_000211.5 (MANE Select); coding-DNA position 112, G replaced by A.
Protein change: p.Glu38Lys; replaces glutamic acid 38 with lysine.
Molecular consequence: missense variant. On other transcripts: 5 prime UTR variant (1).
Genome position (GRCh38, 1-based): chr21:44,910,319, C>T on the plus strand (G>A on the coding strand, the complement: ITGB2 is on the minus strand). VCF-style: chr21-44910319-C-T. GRCh37 (hg19) VCF-style: chr21-46330234-C-T.
Other names: c.112G>A (NM_000211.3); c.112G>A, p.Glu38Lys (NM_001127491.3); c.-96G>A (NM_001303238.2); short protein forms E38K.
Identifiers: ClinVar variation 1356263 (VCV001356263.7), dbSNP rs374031101, ClinGen allele CA10063396.

ClinVar aggregate classification (germline): Uncertain significance. Review status: criteria provided, multiple submitters, no conflicts (2 of 4 stars). 2 submissions from 2 submitters: Uncertain significance (2). Last evaluated 2025-01-06.

Conditions:
Inborn genetic diseases. Identifiers: MedGen C0950123, MeSH D030342.
Leukocyte adhesion deficiency 1 (LAD1). Also called: LAD 1; Lymphocyte function-associated antigen 1 immunodeficiency; LFA 1 immunodeficiency; LEUKOCYTE ADHESION DEFICIENCY, TYPE I. Identifiers: Orphanet 2968, Orphanet 99842, MedGen C0398738, MONDO:0007293, OMIM 116920.

Allele frequency attached by ClinVar (database versions not stated): gnomAD 0.00005; ESP Exome Variant Server 0.00008.

Submissions (2):

Labcorp Genetics (formerly Invitae), Labcorp
Classification: Uncertain significance for Leukocyte adhesion deficiency 1. Last evaluated: 2025-01-06. Review status: criteria provided, single submitter. Criteria: Invitae Variant Classification Sherloc (09022015). Collection method: clinical testing. Allele origin: germline.
Comment: This sequence change replaces glutamic acid, which is acidic and polar, with lysine, which is basic and polar, at codon 38 of the ITGB2 protein (p.Glu38Lys). This variant is present in population databases (rs374031101, gnomAD 0.01%). This variant has not been reported in the literature in individuals affected with ITGB2-related conditions. ClinVar contains an entry for this variant (Variation ID: 1356263). An algorithm developed to predict the effect of missense changes on protein structure and function outputs the following: PolyPhen-2: "Benign". The lysine amino acid residue is found in multiple mammalian species, which suggests that this missense change does not adversely affect protein function. In summary, the available evidence is currently insufficient to determine the role of this variant in disease. Therefore, it has been classified as a Variant of Uncertain Significance.

Ambry Genetics
Classification: Uncertain significance for Inborn genetic diseases. Last evaluated: 2024-03-18. Review status: criteria provided, single submitter. Criteria: Ambry Variant Classification Scheme 2023. Collection method: clinical testing. Allele origin: germline.